The following is an entry in ClinVar:

NM_000057.4(BLM):c.814A>C (p.Lys272Gln)

Gene: BLM (BLM RecQ like helicase; plus strand). Cytogenetic location: 15q26.1.
Variant type: single nucleotide variant.
Coding change: c.814A>C on transcript NM_000057.4 (MANE Select); coding-DNA position 814, A replaced by C.
Protein change: p.Lys272Gln; replaces lysine 272 with glutamine.
Molecular consequence: missense variant. On other transcripts: 5 prime UTR variant (1).
Genome position (GRCh38, 1-based): chr15:90,751,801, A>C. VCF-style: chr15-90751801-A-C. GRCh37 (hg19) VCF-style: chr15-91295031-A-C.
Other names: c.814A>C, p.Lys272Gln (NM_001287246.2, NM_001287247.2); c.-478A>C (NM_001287248.2); short protein forms K272Q.
Identifiers: ClinVar variation 3224921 (VCV003224921.1), dbSNP rs1895691198, ClinGen allele CA393841640.
Genomic context (GRCh38, chr15:90,751,801, plus strand): 5'-TCATTAGTGGTTAACAAATCTATGTTTATCAACTGTTTTACTGTAGATAATAGCGAAAAG[A>C]AGAAGAATTTGGAAGAAGCTGAATTACATTCAACTGAGAAAGTTCCATGTATTGAATTTG-3'
Protein context (NP_000048.1, residues 262-282): LEDERDNSEK[Lys272Gln]KNLEEAELHS

ClinVar aggregate classification (germline): Uncertain significance (1 of 4 stars; one submission).

Conditions:
Hereditary cancer-predisposing syndrome. Also called: Neoplastic Syndromes, Hereditary; Tumor predisposition; Hereditary neoplastic syndrome; Hereditary Cancer Syndrome. Identifiers: Orphanet 140162, MedGen C0027672, MeSH D009386, MONDO:0015356.

Submission:

Ambry Genetics
Classification: Uncertain significance for Hereditary cancer-predisposing syndrome. Last evaluated: 2023-12-05. Review status: criteria provided, single submitter. Criteria: Ambry Variant Classification Scheme 2023. Collection method: clinical testing. Allele origin: germline.
Comment: The p.K272Q variant (also known as c.814A>C), located in coding exon 3 of the BLM gene, results from an A to C substitution at nucleotide position 814. The lysine at codon 272 is replaced by glutamine, an amino acid with similar properties. This amino acid position is conserved. In addition, this alteration is predicted to be tolerated by in silico analysis. Since supporting evidence is limited at this time, the clinical significance of this alteration remains unclear.